The following is an entry in ClinVar:

NM_153460.4(IL17RC):c.757A>G (p.Asn253Asp)

Gene: IL17RC (interleukin 17 receptor C; plus strand). Cytogenetic location: 3p25.3.
Variant type: single nucleotide variant.
Coding change: c.757A>G on transcript NM_153460.4 (MANE Select); coding-DNA position 757, A replaced by G.
Protein change: p.Asn253Asp; replaces asparagine 253 with aspartic acid.
Molecular consequence: missense variant. On other transcripts: non-coding transcript variant (1), intron variant (1).
Genome position (GRCh38, 1-based): chr3:9,924,015, A>G. VCF-style: chr3-9924015-A-G. GRCh37 (hg19) VCF-style: chr3-9965699-A-G.
Other names: c.757A>G, p.Asn253Asp (NM_001203263.2, NM_001203264.2); c.712A>G, p.Asn238Asp (NM_001203265.2, NM_001367280.1, NM_001410711.1 and 1 more transcripts); c.637A>G, p.Asn213Asp (NM_001367279.1); c.970A>G, p.Asn324Asp (NM_153461.4); c.723+34A>G (NM_001367278.1); short protein forms N213D, N238D, N253D, N324D.
Identifiers: ClinVar variation 1714974 (VCV001714974.5), dbSNP rs768507483, ClinGen allele CA351759885.
Genomic context (GRCh38, chr3:9,924,015, plus strand): 5'-TTCGGCCTCTCCCTGTACTGGAATCAGGTCCAGGGCCCCCCAAAACCCCGGTGGCACAAA[A>G]ACCTGGTGAGGCCTCCCCCTTCCCAAGTCCATTCCCACTGTAGGCCGATGCCTGTGCAAA-3'
Protein context (NP_703190.2, residues 243-263): QGPPKPRWHK[Asn253Asp]LTGPQIITLN

ClinVar aggregate classification (germline): Uncertain significance (1 of 4 stars; one submission).

Conditions:
Candidiasis, familial, 9 (CANDF9). Identifiers: Orphanet 1334, MedGen C4225324, MONDO:0014642, OMIM 616445.

Submission:

Labcorp Genetics (formerly Invitae), Labcorp
Classification: Uncertain significance for Candidiasis, familial, 9. Last evaluated: 2022-08-03. Review status: criteria provided, single submitter. Criteria: Invitae Variant Classification Sherloc (09022015). Collection method: clinical testing. Allele origin: germline.
Comment: This variant has not been reported in the literature in individuals affected with IL17RC-related conditions. In summary, the available evidence is currently insufficient to determine the role of this variant in disease. Therefore, it has been classified as a Variant of Uncertain Significance. Algorithms developed to predict the effect of missense changes on protein structure and function (SIFT, PolyPhen-2, Align-GVGD) all suggest that this variant is likely to be tolerated. This variant is not present in population databases (gnomAD no frequency). This sequence change replaces asparagine, which is neutral and polar, with aspartic acid, which is acidic and polar, at codon 324 of the IL17RC protein (p.Asn324Asp).